The following is an entry in ClinVar:

ClinVar aggregate classification (germline): Uncertain significance (1 of 4 stars; one submission).

gnomAD v4.1: 1 of 1,613,872 alleles (0.000062%); highest among the groups gnomAD compares: African/African-American, 0.0013%; no homozygotes.

Submission:

GeneDx
Classification: Uncertain significance. Last evaluated: 2025-07-06. Review status: criteria provided, single submitter. Criteria: GeneDx Variant Classification Process June 2021. Collection method: clinical testing. Allele origin: germline. Affected: yes.
Comment: Not observed at significant frequency in large population cohorts (gnomAD); In silico analysis suggests that this missense variant does not alter protein structure/function; Has not been previously published as pathogenic or benign to our knowledge

NM_206933.4(USH2A):c.3303T>G (p.Asp1101Glu)

Genes: USH2A (usherin; minus strand), USH2A-AS1 (USH2A antisense RNA 1; plus strand). Cytogenetic location: 1q41.
Variant type: single nucleotide variant.
Coding change: c.3303T>G on transcript NM_206933.4 (MANE Select); coding-DNA position 3303, T replaced by G.
Protein change: p.Asp1101Glu; replaces aspartic acid 1101 with glutamic acid.
Molecular consequence: missense variant.
Genome position (GRCh38, 1-based): chr1:216,207,286, A>C on the plus strand (T>G on the coding strand, the complement: USH2A is on the minus strand). VCF-style: chr1-216207286-A-C. GRCh37 (hg19) VCF-style: chr1-216380628-A-C.
Other names: c.3303T>G, p.Asp1101Glu (NM_007123.6); short protein forms D1101E.
Identifiers: ClinVar variation 4685148 (VCV004685148.1).